The following is an entry in ClinVar:

ClinVar aggregate classification (germline): Pathogenic. Review status: criteria provided, multiple submitters, no conflicts (2 of 4 stars). 6 submissions from 6 submitters: Pathogenic (6). Last evaluated 2025-12-24.

Conditions:
Cardiovascular phenotype. Identifiers: MedGen CN230736.
MYBPC3-related disorder. Also called: MYBPC3-related condition; MYBPC3-related disease; MYBPC3-related disorders.
Cardiomyopathy (CMYO). Also called: Cardiomyopathies. Identifiers: Orphanet 167848, MedGen C0878544, MONDO:0004994, HP:0001638. Inheritance: Various modes of inheritance.
Hypertrophic cardiomyopathy. Also called: HYPERTROPHIC MYOCARDIOPATHY. Identifiers: Orphanet 217569, MedGen C0007194, MeSH D002312, MONDO:0005045, HP:0001639.

Submissions (6):

Labcorp Genetics (formerly Invitae), Labcorp
Classification: Pathogenic for Hypertrophic cardiomyopathy. Last evaluated: 2025-12-24. Review status: criteria provided, single submitter. Criteria: Invitae Variant Classification Sherloc (09022015). Collection method: clinical testing. Allele origin: germline.
Comment: This sequence change creates a premature translational stop signal (p.Ser593Profs*11) in the MYBPC3 gene. It is expected to result in an absent or disrupted protein product. Loss-of-function variants in MYBPC3 are known to be pathogenic (PMID: 19574547). This variant is not present in population databases (gnomAD no frequency). This variant has not been reported in the literature in individuals affected with MYBPC3-related conditions. ClinVar contains an entry for this variant (Variation ID: 181149). For these reasons, this variant has been classified as Pathogenic.

Blueprint Genetics
Classification: Pathogenic for MYBPC3-related disorders. Last evaluated: 2024-01-18. Review status: criteria provided, single submitter. Criteria: ACMG Guidelines, 2015. Collection method: clinical testing. Allele origin: germline. Affected: yes. Observed: 2 variant alleles.

Ambry Genetics
Classification: Pathogenic for Cardiovascular phenotype. Last evaluated: 2023-12-01. Review status: criteria provided, single submitter. Criteria: Ambry Variant Classification Scheme 2023. Collection method: clinical testing. Allele origin: germline.
Comment: The c.1776_1777delGT pathogenic mutation, located in coding exon 18 of the MYBPC3 gene, results from a deletion of two nucleotides at nucleotide positions 1776 to 1777, causing a translational frameshift with a predicted alternate stop codon (p.S593Pfs*11). This variant is considered to be rare based on population cohorts in the Genome Aggregation Database (gnomAD). This alteration is expected to result in loss of function by premature protein truncation or nonsense-mediated mRNA decay. As such, this alteration is interpreted as a disease-causing mutation.

CHEO Genetics Diagnostic Laboratory, Children's Hospital of Eastern Ontario
Classification: Pathogenic for Cardiomyopathy. Last evaluated: 2021-08-09. Review status: criteria provided, single submitter. Criteria: ACMG Guidelines, 2015. Collection method: clinical testing. Allele origin: germline.

GeneDx
Classification: Pathogenic. Last evaluated: 2020-10-28. Review status: criteria provided, single submitter. Criteria: GeneDx Variant Classification Process June 2021. Collection method: clinical testing. Allele origin: germline. Affected: yes.
Comment: Reported in ClinVar as a pathogenic variant (ClinVar Variant ID# 181149; Landrum et al., 2016); Not observed in large population cohorts (Lek et al., 2016); Frameshift variant predicted to result in protein truncation or nonsense mediated decay in a gene for which loss-of-function is a known mechanism of disease; This variant is associated with the following publications: (PMID: 31737537)

Color Diagnostics, LLC DBA Color Health
Classification: Pathogenic for Cardiomyopathy. Last evaluated: 2018-11-08. Review status: criteria provided, single submitter. Criteria: ACMG Guidelines, 2015. Collection method: clinical testing. Allele origin: germline.
Comment: This variant deletes 2 nucleotides in exon 17 of the MYBPC3 gene, creating a frameshift and premature translation stop signal. This variant is expected to result in an absent or non-functional protein product. To our knowledge, functional assays have not been performed for this variant nor has this variant been reported in individuals affected with cardiovascular disorders in the literature. This variant has not been identified in the general population by the Genome Aggregation Database (gnomAD). Loss of MYBPC3 function is a known mechanism of disease. Based on available evidence, this variant is classified as Pathogenic.

Literature cited by the submitters: PubMed 19574547 (cited by Labcorp Genetics (formerly Invitae), Labcorp).

NM_000256.3(MYBPC3):c.1776_1777del (p.Ser593fs)

Gene: MYBPC3 (myosin binding protein C3; minus strand). Cytogenetic location: 11p11.2.
Variant type: Microsatellite.
Coding change: c.1776_1777del on transcript NM_000256.3 (MANE Select); coding-DNA positions 1776 to 1777, 2 bases deleted (GT; older notation c.1776_1777delGT).
Protein change: p.Ser593fs; shifts the reading frame from serine 593.
Molecular consequence: frameshift variant.
Genome position (GRCh38, 1-based): chr11:47,342,004-47,342,005, AC deleted on the plus strand (GT on the coding strand, the reverse complement: MYBPC3 is on the minus strand); deleting any 2 consecutive bases within chr11:47,342,004-47,342,007 gives the same sequence; the c. name uses the placement nearest the transcript's 3' end. VCF-style (leftmost placement, unchanged base first): chr11-47342003-GAC-G. GRCh37 (hg19) VCF-style: chr11-47363554-GAC-G.
Other names: c.1776_1777delGT (NM_000256.3); short protein forms S593fs.
Identifiers: ClinVar variation 181149 (VCV000181149.20), dbSNP rs730880713, ClinGen allele CA011070.